The following is an entry in ClinVar:

ClinVar aggregate classification (germline): Uncertain significance. Review status: criteria provided, multiple submitters, no conflicts (2 of 4 stars). 2 submissions from 2 submitters: Uncertain significance (2). Last evaluated 2024-09-23.

Conditions:
ASNS-related disorder. Also called: ASNS-related condition.

Allele frequency attached by ClinVar (database versions not stated): ExAC 0.00001; gnomAD 0.00001; TOPMed 0.00002; gnomAD exomes 0.00003.
gnomAD v4.1: 48 of 1,606,668 alleles (0.003%); highest among the groups gnomAD compares: Non-Finnish European, 0.0037%; no homozygotes.

Submissions (2):

Labcorp Genetics (formerly Invitae), Labcorp
Classification: Uncertain significance. Last evaluated: 2024-09-23. Review status: criteria provided, single submitter. Criteria: Invitae Variant Classification Sherloc (09022015). Collection method: clinical testing. Allele origin: germline.
Comment: This sequence change replaces alanine, which is neutral and non-polar, with threonine, which is neutral and polar, at codon 341 of the ASNS protein (p.Ala341Thr). This variant is present in population databases (rs747398441, gnomAD 0.0009%). This variant has not been reported in the literature in individuals affected with ASNS-related conditions. ClinVar contains an entry for this variant (Variation ID: 2151632). Invitae Evidence Modeling of protein sequence and biophysical properties (such as structural, functional, and spatial information, amino acid conservation, physicochemical variation, residue mobility, and thermodynamic stability) indicates that this missense variant is expected to disrupt ASNS protein function with a positive predictive value of 80%. In summary, the available evidence is currently insufficient to determine the role of this variant in disease. Therefore, it has been classified as a Variant of Uncertain Significance.

PreventionGenetics, part of Exact Sciences
Classification: Uncertain significance for ASNS-related condition. Last evaluated: 2023-04-10. Review status: criteria provided, single submitter. Criteria: ACMG Guidelines, 2015. Collection method: clinical testing. Allele origin: germline.
Comment: The ASNS c.1021G>A variant is predicted to result in the amino acid substitution p.Ala341Thr. To our knowledge, this variant has not been reported in the literature. This variant is reported in 0.00089% of alleles in individuals of European (Non-Finnish) descent in gnomAD. At this time, the clinical significance of this variant is uncertain due to the absence of conclusive functional and genetic evidence.

NM_001673.5(ASNS):c.1021G>A (p.Ala341Thr)

Genes: ASNS (asparagine synthetase (glutamine-hydrolyzing); minus strand), CZ1P-ASNS (CZ1P-ASNS readthrough; minus strand). Cytogenetic location: 7q21.3.
Variant type: single nucleotide variant.
Coding change: c.1021G>A on transcript NM_001673.5 (MANE Select); coding-DNA position 1021, G replaced by A.
Protein change: p.Ala341Thr; replaces alanine 341 with threonine.
Molecular consequence: missense variant. On other transcripts: non-coding transcript variant (1).
Genome position (GRCh38, 1-based): chr7:97,856,699, C>T on the plus strand (G>A on the coding strand, the complement: ASNS is on the minus strand). VCF-style: chr7-97856699-C-T. GRCh37 (hg19) VCF-style: chr7-97486011-C-T.
Other names: c.958G>A, p.Ala320Thr (NM_001178075.2); c.772G>A, p.Ala258Thr (NM_001178076.2, NM_001178077.1); c.1021G>A, p.Ala341Thr (NM_001352496.2, NM_133436.3, NM_183356.4); short protein forms A258T, A341T, A320T.
Identifiers: ClinVar variation 2151632 (VCV002151632.4), dbSNP rs747398441, ClinGen allele CA4354632.
Genomic context (GRCh38, chr7:97,856,699, plus strand): 5'-TTTTTCAGTATTAAAAAAAGCTTTTTATTTAAGAATATCATAATACCTTACCTACTGAAG[C>T]ACGAACTGTTGTAATGTCATAAGTTTCCAAGGAAAATATGACTTCATCCAGAGCCTGAAT-3'
Protein context (NP_001664.3, residues 331-351): LETYDITTVR[Ala341Thr]SVGMYLISKY